The following is an entry in ClinVar:

ClinVar aggregate classification (germline): Uncertain significance (1 of 4 stars; one submission).

gnomAD v4.1: 5 of 1,611,930 alleles (0.00031%); highest among the groups gnomAD compares: South Asian, 0.0044%; no homozygotes.

Submission:

Mayo Clinic Laboratories, Mayo Clinic
Classification: Uncertain significance. Last evaluated: 2025-05-19. Review status: criteria provided, single submitter. Criteria: ACMG Guidelines, 2015. Collection method: clinical testing. Allele origin: germline. Observed: 1 variant allele.
Comment: BP4_moderate, PM2_supporting

NM_007208.4(MRPL3):c.5C>G (p.Pro2Arg)

Genes: MRPL3 (mitochondrial ribosomal protein L3; minus strand), LOC105374114 (uncharacterized LOC105374114; plus strand). Cytogenetic location: 3q22.1.
Variant type: single nucleotide variant.
Coding change: c.5C>G on transcript NM_007208.4 (MANE Select); coding-DNA position 5, C replaced by G.
Protein change: p.Pro2Arg; replaces proline 2 with arginine.
Molecular consequence: missense variant.
Genome position (GRCh38, 1-based): chr3:131,502,817, G>C on the plus strand (C>G on the coding strand, the complement: MRPL3 is on the minus strand). VCF-style: chr3-131502817-G-C. GRCh37 (hg19) VCF-style: chr3-131221661-G-C.
Other names: p.Pro2Arg; short protein forms P2R.
Identifiers: ClinVar variation 4540921 (VCV004540921.1).